The following is an entry in ClinVar:

NM_013266.4(CTNNA3):c.1421C>T (p.Ala474Val)

Gene: CTNNA3 (catenin alpha 3; minus strand). Cytogenetic location: 10q21.3.
Variant type: single nucleotide variant.
Coding change: c.1421C>T on transcript NM_013266.4 (MANE Select); coding-DNA position 1421, C replaced by T.
Protein change: p.Ala474Val; replaces alanine 474 with valine.
Molecular consequence: missense variant.
Genome position (GRCh38, 1-based): chr10:66,520,727, G>A on the plus strand (C>T on the coding strand, the complement: CTNNA3 is on the minus strand). VCF-style: chr10-66520727-G-A. GRCh37 (hg19) VCF-style: chr10-68280485-G-A.
Other names: c.1421C>T, p.Ala474Val (NM_001127384.3); short protein forms A474V.
Identifiers: ClinVar variation 848166 (VCV000848166.11), dbSNP rs201810511, ClinGen allele CA5519959.
Genomic context (GRCh38, chr10:66,520,727, plus strand): 5'-GTGAGGACATGTATATGATTCTCCCATGTACGCTTGTACATTTCCATGGTGTTTTTGACC[G>A]CTTGACTTTTGGGTCTTGCAGCCAAAGCAAGTGCAGCATTAATAATCTATAAAGATAAGG-3'
Protein context (NP_037398.2, residues 464-484): LALAARPKSQ[Ala474Val]VKNTMEMYKR

ClinVar aggregate classification (germline): Conflicting classifications of pathogenicity. Review status: criteria provided, conflicting classifications (1 of 4 stars). 2 submissions from 2 submitters: Uncertain significance (1); Likely benign (1). Last evaluated 2025-12-27.

Conditions:
Arrhythmogenic right ventricular dysplasia 13. Also called: ARRHYTHMOGENIC RIGHT VENTRICULAR CARDIOMYOPATHY 13; Arrhythmogenic right ventricular dysplasia, familial, 13. Identifiers: MedGen C3810138, MONDO:0000908, OMIM 615616.

Allele frequency attached by ClinVar (database versions not stated): ESP Exome Variant Server 0.00008; gnomAD exomes 0.00009 and 0.00011; ExAC 0.00011; gnomAD 0.00015 and 0.00016; 1000 Genomes Project 30x 0.00016; TOPMed 0.00019; 1000 Genomes Project 0.00020.
gnomAD v4.1: 151 of 1,612,544 alleles (0.0094%); highest among the groups gnomAD compares: East Asian, 0.058%; 1 homozygote.

Submissions (2):

Labcorp Genetics (formerly Invitae), Labcorp
Classification: Uncertain significance for Arrhythmogenic right ventricular dysplasia 13. Last evaluated: 2025-12-27. Review status: criteria provided, single submitter. Criteria: Invitae Variant Classification Sherloc (09022015). Collection method: clinical testing. Allele origin: germline.
Comment: This sequence change replaces alanine, which is neutral and non-polar, with valine, which is neutral and non-polar, at codon 474 of the CTNNA3 protein (p.Ala474Val). This variant is present in population databases (rs201810511, gnomAD 0.04%), and has an allele count higher than expected for a pathogenic variant. This variant has not been reported in the literature in individuals affected with CTNNA3-related conditions. ClinVar contains an entry for this variant (Variation ID: 848166). Invitae Evidence Modeling of protein sequence and biophysical properties (such as structural, functional, and spatial information, amino acid conservation, physicochemical variation, residue mobility, and thermodynamic stability) indicates that this missense variant is not expected to disrupt CTNNA3 protein function with a negative predictive value of 80%. In summary, the available evidence is currently insufficient to determine the role of this variant in disease. Therefore, it has been classified as a Variant of Uncertain Significance.

GeneDx
Classification: Likely benign. Last evaluated: 2020-05-22. Review status: criteria provided, single submitter. Criteria: GeneDx Variant Classification Process June 2021. Collection method: clinical testing. Allele origin: germline. Affected: yes.